The following is an entry in ClinVar:

NM_001042492.3(NF1):c.5641A>C (p.Thr1881Pro)

Gene: NF1 (neurofibromin 1; plus strand). Cytogenetic location: 17q11.2.
Variant type: single nucleotide variant.
Coding change: c.5641A>C on transcript NM_001042492.3 (MANE Select); coding-DNA position 5641, A replaced by C.
Protein change: p.Thr1881Pro; replaces threonine 1881 with proline.
Molecular consequence: missense variant.
Genome position (GRCh38, 1-based): chr17:31,330,327, A>C. VCF-style: chr17-31330327-A-C. GRCh37 (hg19) VCF-style: chr17-29657345-A-C.
Other names: c.5578A>C, p.Thr1860Pro (NM_000267.4); short protein forms T1860P, T1881P.
Identifiers: ClinVar variation 2107062 (VCV002107062.4), dbSNP rs2151544473, ClinGen allele CA399010156.

ClinVar aggregate classification (germline): Uncertain significance (1 of 4 stars; one submission).

Conditions:
Neurofibromatosis, type 1 (NF1). Also called: Peripheral type neurofibromatosis; NEUROFIBROMATOSIS, TYPE I, SOMATIC; VON RECKLINGHAUSEN DISEASE; Neurofibromatosis, type I. Identifiers: Orphanet 636, MedGen C0027831, MONDO:0018975, OMIM 162200. Disease mechanism: loss of function.

Allele frequency attached by ClinVar (database versions not stated): gnomAD exomes below 0.00001.
gnomAD v4.1: 1 of 1,614,068 alleles (0.000062%); highest among the groups gnomAD compares: Non-Finnish European, 0.000085%; no homozygotes.

Submission:

Labcorp Genetics (formerly Invitae), Labcorp
Classification: Uncertain significance for Neurofibromatosis, type 1. Last evaluated: 2025-12-26. Review status: criteria provided, single submitter. Criteria: Invitae Variant Classification Sherloc (09022015). Collection method: clinical testing. Allele origin: germline.
Comment: This sequence change replaces threonine, which is neutral and polar, with proline, which is neutral and non-polar, at codon 1860 of the NF1 protein (p.Thr1860Pro). This variant is not present in population databases (gnomAD no frequency). This variant has not been reported in the literature in individuals affected with NF1-related conditions. ClinVar contains an entry for this variant (Variation ID: 2107062). Invitae Evidence Modeling of protein sequence and biophysical properties (such as structural, functional, and spatial information, amino acid conservation, physicochemical variation, residue mobility, and thermodynamic stability) indicates that this missense variant is expected to disrupt NF1 protein function with a positive predictive value of 95%. In summary, the available evidence is currently insufficient to determine the role of this variant in disease. Therefore, it has been classified as a Variant of Uncertain Significance.